The following is an entry in ClinVar:

NM_181672.3(OGT):c.2344A>G (p.Ile782Val)

Gene: OGT (O-linked N-acetylglucosamine (GlcNAc) transferase; plus strand). Cytogenetic location: Xq13.1.
Variant type: single nucleotide variant.
Coding change: c.2344A>G on transcript NM_181672.3 (MANE Select); coding-DNA position 2344, A replaced by G.
Protein change: p.Ile782Val; replaces isoleucine 782 with valine.
Molecular consequence: missense variant.
Genome position (GRCh38, 1-based): chrX:71,563,407, A>G. VCF-style: chrX-71563407-A-G. GRCh37 (hg19) VCF-style: chrX-70783257-A-G.
Other names: c.2314A>G, p.Ile772Val (NM_181673.3); short protein forms I772V, I782V.
Identifiers: ClinVar variation 3255025 (VCV003255025.3), dbSNP rs2522854599.
Genomic context (GRCh38, chrX:71,563,407, plus strand): 5'-GGAGACAATGCAGATAGCAGTAACACAGCTCTTAATATGCCTGTTATTCCTATGAATACT[A>G]TTGCAGAAGCAGTTATTGAAATGATTAACCGAGGACAGATTCAAATAACAATTAATGGAT-3'
Protein context (NP_858058.1, residues 772-792): LNMPVIPMNT[Ile782Val]AEAVIEMINR

ClinVar aggregate classification (germline): Conflicting classifications of pathogenicity. Review status: criteria provided, conflicting classifications (1 of 4 stars). 2 submissions from 2 submitters: Uncertain significance (1); Likely benign (1). Last evaluated 2024-10-18.

Conditions:
Intellectual developmental disorder, X-linked 106. Also called: Mental retardation, X-linked 106; Intellectual disability, X-linked 106. Identifiers: MedGen C4478379, MONDO:0030907, OMIM 300997.

Allele frequency attached by ClinVar (database versions not stated): gnomAD exomes below 0.00001.
gnomAD v4.1: 1 of 1,202,914 alleles (0.000083%); highest among the groups gnomAD compares: Non-Finnish European, 0.00011%; no homozygotes.

Submissions (2):

Blueprint Genetics
Classification: Likely benign. Last evaluated: 2024-10-18. Review status: criteria provided, single submitter. Criteria: ACMG Guidelines, 2015. Collection method: clinical testing. Allele origin: germline.

Victorian Clinical Genetics Services, Murdoch Childrens Research Institute
Classification: Uncertain significance for Intellectual developmental disorder, X-linked 106. Last evaluated: 2024-09-21. Review status: criteria provided, single submitter. Criteria: ACMG Guidelines, 2015. Collection method: clinical testing. Allele origin: germline. Inheritance: X-linked recessive inheritance. Affected: yes.
Comment: Based on the classification scheme VCGS_Germline_v1.3.4, this variant is classified as VUS-3B. Following criteria are met: 0102 - Loss of function is a known mechanism of disease in this gene and is associated with intellectual developmental disorder, X-linked 106, (MIM#300997). (I) 0109 - This gene is associated with X-linked recessive disease. (I) 0200 - Variant is predicted to result in a missense amino acid change from isoleucine to valine. (I) 0253 - This variant is hemizygous. (I) 0301 - Variant is absent from gnomAD (both v2 and v3). (SP) 0503 - Missense variant consistently predicted to be tolerated by multiple in silico tools or not conserved in placental mammals with a minor amino acid change. (SB) 0600 - Variant is located in the annotated glycosyl transferase family 41 (DECIPHER). (I) 0705 - No comparable missense variants have previous evidence for pathogenicity. (I) 0807 - This variant has no previous evidence of pathogenicity. (I) 0905 - No published segregation evidence has been identified for this variant. (I) 1007 - No published functional evidence has been identified for this variant. (I) 1208 - Inheritance information for this variant is not currently available in this individual. (I) Legend: (SP) - Supporting pathogenic, (I) - Information, (SB) - Supporting benign